The following is an entry in ClinVar:

ClinVar aggregate classification (germline): Likely benign (1 of 4 stars; one submission).

gnomAD v4.1: 2 of 1,551,564 alleles (0.00013%); no homozygotes.

Submission:

Laboratory for Molecular Medicine, Mass General Brigham Personalized Medicine
Classification: Likely benign. Last evaluated: 2014-02-07. Review status: criteria provided, single submitter. Criteria: LMM Criteria. Collection method: clinical testing. Allele origin: germline. Observed: 1 variant allele.
Comment: Thr386Thr in Exon 9 of LOXHD1: This variant is not expected to have clinical sig nificance because it does not alter an amino acid residue, and it is not located within the splice consensus sequence.

NM_001384474.1(LOXHD1):c.1158T>G (p.Thr386=)

Gene: LOXHD1 (lipoxygenase homology PLAT domains 1; minus strand). Cytogenetic location: 18q21.1.
Variant type: single nucleotide variant.
Coding change: c.1158T>G on transcript NM_001384474.1 (MANE Select); coding-DNA position 1158, T replaced by G.
Protein change: p.Thr386=; no amino-acid change (threonine 386 retained).
Molecular consequence: synonymous variant.
Genome position (GRCh38, 1-based): chr18:46,594,443, A>C on the plus strand (T>G on the coding strand, the complement: LOXHD1 is on the minus strand). VCF-style: chr18-46594443-A-C. GRCh37 (hg19) VCF-style: chr18-44174406-A-C.
Other names: c.1158T>G, p.Thr386= (NM_144612.7).
Identifiers: ClinVar variation 163933 (VCV000163933.4), dbSNP rs727503148, ClinGen allele CA176657.